The following is an entry in ClinVar:

NM_003743.5(NCOA1):c.1794T>C (p.Ser598=)

Gene: NCOA1 (nuclear receptor coactivator 1; plus strand). Cytogenetic location: 2p23.3.
Variant type: single nucleotide variant.
Coding change: c.1794T>C on transcript NM_003743.5 (MANE Select); coding-DNA position 1794, T replaced by C.
Protein change: p.Ser598=; no amino-acid change (serine 598 retained).
Molecular consequence: synonymous variant.
Genome position (GRCh38, 1-based): chr2:24,707,264, T>C. VCF-style: chr2-24707264-T-C. GRCh37 (hg19) VCF-style: chr2-24930133-T-C.
Other names: c.1794T>C, p.Ser598= (NM_001362950.1, NM_001362952.1, NM_001362954.1 and 3 more transcripts).
Identifiers: ClinVar variation 4977657 (VCV004977657.1).

ClinVar aggregate classification (germline): Likely benign (1 of 4 stars; one submission).

Conditions:
NCOA1-related disorder. Also called: NCOA1-related condition.

gnomAD v4.1: 6 of 1,614,116 alleles (0.00037%); highest among the groups gnomAD compares: African/African-American, 0.008%; no homozygotes.

Submission:

PreventionGenetics, part of Exact Sciences
Classification: Likely benign for NCOA1-related condition. Last evaluated: 2025-01-22. Review status: criteria provided, single submitter. Criteria: ACMG Guidelines, 2015. Collection method: clinical testing. Allele origin: germline.
Comment: This variant is classified as likely benign based on ACMG/AMP sequence variant interpretation guidelines (Richards et al. 2015 PMID: 25741868, with internal and published modifications).